The following is an entry in ClinVar:

ClinVar aggregate classification (germline): Uncertain significance (1 of 4 stars; one submission).

Allele frequency attached by ClinVar (database versions not stated): gnomAD 0.00001; gnomAD exomes 0.00002; TOPMed 0.00002; ExAC 0.00003.

Submission:

Labcorp Genetics (formerly Invitae), Labcorp
Classification: Uncertain significance. Last evaluated: 2022-05-31. Review status: criteria provided, single submitter. Criteria: Invitae Variant Classification Sherloc (09022015). Collection method: clinical testing. Allele origin: germline.
Comment: This sequence change falls in intron 2 of the OPN1SW gene. It does not directly change the encoded amino acid sequence of the OPN1SW protein. It affects a nucleotide within the consensus splice site. This variant is present in population databases (rs771106599, gnomAD 0.04%). This variant has not been reported in the literature in individuals affected with OPN1SW-related conditions. Variants that disrupt the consensus splice site are a relatively common cause of aberrant splicing (PMID: 17576681, 9536098). Algorithms developed to predict the effect of sequence changes on RNA splicing suggest that this variant may disrupt the consensus splice site. In summary, the available evidence is currently insufficient to determine the role of this variant in disease. Therefore, it has been classified as a Variant of Uncertain Significance.

Literature cited by the submitters: PubMed 17576681; PubMed 9536098.

NM_001385125.1(OPN1SW):c.512+3G>A

Gene: OPN1SW (opsin 1, short wave sensitive; minus strand). Cytogenetic location: 7q32.1.
Variant type: single nucleotide variant.
Coding change: c.512+3G>A on transcript NM_001385125.1 (MANE Select); 3 bases into the intron after coding-DNA position 512, G replaced by A.
Molecular consequence: intron variant.
Genome position (GRCh38, 1-based): chr7:128,774,983, C>T on the plus strand (G>A on the coding strand, the complement: OPN1SW is on the minus strand). VCF-style: chr7-128774983-C-T. GRCh37 (hg19) VCF-style: chr7-128415037-C-T.
Identifiers: ClinVar variation 1938570 (VCV001938570.5), dbSNP rs771106599, ClinGen allele CA4472921.